The following is an entry in ClinVar:

ClinVar aggregate classification (germline): Pathogenic. Review status: criteria provided, multiple submitters, no conflicts (2 of 4 stars). 2 submissions from 2 submitters: Pathogenic (2). Last evaluated 2023-09-07.

Conditions:
Familial cancer of breast. Also called: hereditary breast carcinoma; Hereditary breast cancer; BREAST CANCER, FAMILIAL. Identifiers: Orphanet 227535, MedGen C0346153, MONDO:0016419, OMIM 114480. Disease mechanism: loss of function.

Submissions (2):

Myriad Genetics, Inc.
Classification: Pathogenic for Familial cancer of breast. Last evaluated: 2023-09-07. Review status: criteria provided, single submitter. Criteria: Myriad Autosomal Dominant, Autosomal Recessive and X-Linked Classification Criteria (2023). Collection method: clinical testing. Allele origin: unknown.
Comment: This variant is considered pathogenic. This variant creates a frameshift predicted to result in premature protein truncation.

Labcorp Genetics (formerly Invitae), Labcorp
Classification: Pathogenic for Familial cancer of breast. Last evaluated: 2022-05-26. Review status: criteria provided, single submitter. Criteria: Invitae Variant Classification Sherloc (09022015). Collection method: clinical testing. Allele origin: germline.
Comment: For these reasons, this variant has been classified as Pathogenic. This variant has not been reported in the literature in individuals affected with PALB2-related conditions. This variant is not present in population databases (gnomAD no frequency). This sequence change creates a premature translational stop signal (p.Pro378Leufs*46) in the PALB2 gene. It is expected to result in an absent or disrupted protein product. Loss-of-function variants in PALB2 are known to be pathogenic (PMID: 17200668, 17200671, 17200672, 24136930, 25099575).

Literature cited by the submitters: PubMed 17200668 (cited by Labcorp Genetics (formerly Invitae), Labcorp); PubMed 17200671 (cited by Labcorp Genetics (formerly Invitae), Labcorp); PubMed 17200672 (cited by Labcorp Genetics (formerly Invitae), Labcorp); PubMed 24136930 (cited by Labcorp Genetics (formerly Invitae), Labcorp); PubMed 25099575 (cited by Labcorp Genetics (formerly Invitae), Labcorp).

NM_024675.4(PALB2):c.1133del (p.Pro378fs)

Gene: PALB2 (partner and localizer of BRCA2; minus strand). Cytogenetic location: 16p12.2.
Variant type: Deletion.
Coding change: c.1133del on transcript NM_024675.4 (MANE Select); coding-DNA position 1133, one base deleted (C; older notation c.1133delC).
Protein change: p.Pro378fs; shifts the reading frame from proline 378.
Molecular consequence: frameshift variant.
Genome position (GRCh38, 1-based): chr16:23,635,413, G deleted on the plus strand (C on the coding strand, the reverse complement: PALB2 is on the minus strand); the first of 2 consecutive G bases (chr16:23,635,413-23,635,414); deleting either gives the same sequence. VCF-style (leftmost placement, unchanged base first): chr16-23635412-AG-A. GRCh37 (hg19) VCF-style: chr16-23646733-AG-A.
Other names: c.1072delC, p.Pro358Leufs (NM_001407296.1); c.1132delC, p.Pro378Leufs (NM_001407297.1, NM_001407298.1, NM_001407299.1 and 3 more transcripts); c.247delC, p.Pro83Leufs (NM_001407304.1, NM_001407305.1, NM_001407306.1 and 5 more transcripts); short protein forms P378fs.
Identifiers: ClinVar variation 1999112 (VCV001999112.5), dbSNP rs2506487913, ClinGen allele CA2580091311.